The following is an entry in ClinVar:

ClinVar aggregate classification (germline): Uncertain significance. Review status: criteria provided, multiple submitters, no conflicts (2 of 4 stars). 4 submissions from 4 submitters: Uncertain significance (3). 1 of the submissions does not count toward it. Last evaluated 2025-03-20.

Conditions:
Primary familial hypertrophic cardiomyopathy (HCM). Identifiers: Orphanet 99739, MedGen C0949658, MeSH D024741, MONDO:0024573. Inheritance: Various modes of inheritance.
Dilated cardiomyopathy 1AA (CMD1AA). Also called: Cardiomyopathy, dilated, 1AA, with or without LVNC; CARDIOMYOPATHY, FAMILIAL HYPERTROPHIC, 23, WITH OR WITHOUT LEFT VENTRICULAR NONCOMPACTION; CARDIOMYOPATHY, DILATED, 1AA, WITH OR WITHOUT LEFT VENTRICULAR NONCOMPACTION. Identifiers: Orphanet 154, MedGen C2677338, MONDO:0012808, OMIM 612158.
ACTN2-related disorder. Also called: ACTN2-related disorders; ACTN2 related condition.
Cardiovascular phenotype. Identifiers: MedGen CN230736.

Allele frequency attached by ClinVar (database versions not stated): gnomAD exomes below 0.00001; gnomAD 0.00001; TOPMed 0.00002.
gnomAD v4.1: 3 of 1,614,084 alleles (0.00019%); highest among the groups gnomAD compares: Non-Finnish European, 0.00025%; no homozygotes.

Submissions (4):

Ambry Genetics
Classification: Uncertain significance for Cardiovascular phenotype. Last evaluated: 2025-03-20. Review status: criteria provided, single submitter. Criteria: Ambry Variant Classification Scheme 2023. Collection method: clinical testing. Allele origin: germline.
Comment: The p.E737A variant (also known as c.2210A>C), located in coding exon 18 of the ACTN2 gene, results from an A to C substitution at nucleotide position 2210. The glutamic acid at codon 737 is replaced by alanine, an amino acid with dissimilar properties. This amino acid position is highly conserved in available vertebrate species. In addition, this alteration is predicted to be deleterious by in silico analysis. Based on the available evidence, the clinical significance of this variant remains unclear.

Labcorp Genetics (formerly Invitae), Labcorp
Classification: Uncertain significance for Primary familial hypertrophic cardiomyopathy; Dilated cardiomyopathy 1AA. Last evaluated: 2023-06-23. Review status: criteria provided, single submitter. Criteria: Invitae Variant Classification Sherloc (09022015). Collection method: clinical testing. Allele origin: germline.
Comment: This sequence change replaces glutamic acid, which is acidic and polar, with alanine, which is neutral and non-polar, at codon 737 of the ACTN2 protein (p.Glu737Ala). This variant is present in population databases (no rsID available, gnomAD 0.0009%). In summary, the available evidence is currently insufficient to determine the role of this variant in disease. Therefore, it has been classified as a Variant of Uncertain Significance. Advanced modeling of protein sequence and biophysical properties (such as structural, functional, and spatial information, amino acid conservation, physicochemical variation, residue mobility, and thermodynamic stability) performed at Invitae indicates that this missense variant is not expected to disrupt ACTN2 protein function. ClinVar contains an entry for this variant (Variation ID: 389905). This variant has not been reported in the literature in individuals affected with ACTN2-related conditions.

GeneDx
Classification: Uncertain significance. Last evaluated: 2018-09-28. Review status: criteria provided, single submitter. Criteria: GeneDx Variant Classification (06012015). Collection method: clinical testing. Allele origin: germline. Affected: yes.
Comment: A variant of uncertain significance has been identified in the ACTN2 gene. The E737A variant has not been published as pathogenic or been reported as benign to our knowledge. This variant is not observed at a significant frequency in large population cohorts (Lek et al., 2016). The E737A variant is a non-conservative amino acid substitution, which is likely to impact secondary protein structure as these residues differ in polarity, charge, size and/or other properties. Furthermore, in-silico analyses, including protein predictors and evolutionary conservation, support a deleterious effect. However, this variant lacks observation in a significant number of affected individuals, segregation data, and functional evidence, which would further clarify its pathogenicity.Therefore, based on the currently available information, it is unclear whether this variant is pathogenic or benign.

PreventionGenetics, part of Exact Sciences
Classification: Uncertain significance for ACTN2-related condition. Last evaluated: 2024-02-27. Review status: no assertion criteria provided. Collection method: clinical testing. Allele origin: germline. Not counted in ClinVar's aggregate classification.
Comment: The ACTN2 c.2210A>C variant is predicted to result in the amino acid substitution p.Glu737Ala. To our knowledge, this variant has not been reported in the literature. This variant is reported in 0.00088% of alleles in individuals of European (Non-Finnish) descent in gnomAD. At this time, the clinical significance of this variant is uncertain due to the absence of conclusive functional and genetic evidence.

NM_001103.4(ACTN2):c.2210A>C (p.Glu737Ala)

Gene: ACTN2 (actinin alpha 2; plus strand). Cytogenetic location: 1q43.
Variant type: single nucleotide variant.
Coding change: c.2210A>C on transcript NM_001103.4 (MANE Select); coding-DNA position 2210, A replaced by C.
Protein change: p.Glu737Ala; replaces glutamic acid 737 with alanine.
Molecular consequence: missense variant.
Genome position (GRCh38, 1-based): chr1:236,757,541, A>C. VCF-style: chr1-236757541-A-C. GRCh37 (hg19) VCF-style: chr1-236920841-A-C.
Other names: c.2210A>C, p.Glu737Ala (NM_001278343.2); c.1586A>C, p.Glu529Ala (NM_001278344.2); c.2210A>C (NM_001103.3); short protein forms E737A, E529A.
Identifiers: ClinVar variation 389905 (VCV000389905.11), dbSNP rs982200490, ClinGen allele CA16603539.
Genomic context (GRCh38, chr1:236,757,541, plus strand): 5'-AATAGCACATTCGTGTTGGATGGGAGCTGCTGCTGACAACCATCGCCAGAACCATCAATG[A>C]GGTGGAGACTCAGATCCTGACGAGAGATGCGAAGGGCATCACCCAGGAGCAGATGAATGA-3'
Protein context (NP_001094.1, residues 727-747): LLTTIARTIN[Glu737Ala]VETQILTRDA